The following is an entry in ClinVar:

NM_000257.4(MYH7):c.4170-215C>T

Gene: MYH7 (myosin heavy chain 7; minus strand). Cytogenetic location: 14q11.2.
Variant type: single nucleotide variant.
Coding change: c.4170-215C>T on transcript NM_000257.4 (MANE Select); 215 bases into the intron before coding-DNA position 4170, C replaced by T.
Molecular consequence: intron variant.
Genome position (GRCh38, 1-based): chr14:23,417,901, G>A on the plus strand (C>T on the coding strand, the complement: MYH7 is on the minus strand). VCF-style: chr14-23417901-G-A. GRCh37 (hg19) VCF-style: chr14-23887110-G-A.
Identifiers: ClinVar variation 675801 (VCV000675801.1), dbSNP rs45618635, ClinGen allele CA257813477.

ClinVar aggregate classification (germline): Likely benign (1 of 4 stars; one submission).

Allele frequency attached by ClinVar (database versions not stated): 1000 Genomes Project 30x 0.00141; 1000 Genomes Project 0.00160; TOPMed 0.00285; gnomAD 0.00372 and 0.00389; gnomAD exomes 0.00436.
gnomAD v4.1: 3,752 of 881,718 alleles (0.43%); highest among the groups gnomAD compares: Non-Finnish European, 0.5%; 14 homozygotes.

Submission:

GeneDx
Classification: Likely benign. Last evaluated: 2018-06-14. Review status: criteria provided, single submitter. Criteria: GeneDx Variant Classification (06012015). Collection method: clinical testing. Allele origin: germline. Affected: yes.
Comment: This variant is considered likely benign or benign based on one or more of the following criteria: it is a conservative change, it occurs at a poorly conserved position in the protein, it is predicted to be benign by multiple in silico algorithms, and/or has population frequency not consistent with disease.